The following is an entry in ClinVar:

NM_013275.6(ANKRD11):c.3750C>T (p.Asp1250=)

Gene: ANKRD11 (ankyrin repeat domain 11; minus strand). Cytogenetic location: 16q24.3.
Variant type: single nucleotide variant.
Coding change: c.3750C>T on transcript NM_013275.6 (MANE Select); coding-DNA position 3750, C replaced by T.
Protein change: p.Asp1250=; no amino-acid change (aspartic acid 1250 retained).
Molecular consequence: synonymous variant.
Genome position (GRCh38, 1-based): chr16:89,282,792, G>A on the plus strand (C>T on the coding strand, the complement: ANKRD11 is on the minus strand). VCF-style: chr16-89282792-G-A. GRCh37 (hg19) VCF-style: chr16-89349200-G-A.
Other names: c.3750C>T, p.Asp1250= (NM_001256182.2, NM_001256183.2).
Identifiers: ClinVar variation 1254625 (VCV001254625.11), dbSNP rs758731918, ClinGen allele CA8242295.
Genomic context (GRCh38, chr16:89,282,792, plus strand): 5'-GGACTTCCTCTCCTTGGAATGTTCTTTGTCCGACTTCTCTTTGTGTTTGCTTTTAGCCTT[G>A]TCTTCGGCAGCGTGCTTCTTTTCAGCCTTCTCGGGGAGCTTCTGTTTATTTTTCTTATCT-3'
Protein context (NP_037407.4, residues 1240-1260): EKAEKKHAAE[Asp1250=]KAKSKHKEKS

ClinVar aggregate classification (germline): Likely benign. Review status: criteria provided, multiple submitters, no conflicts (2 of 4 stars). 4 submissions from 4 submitters: Likely benign (3). 1 of the submissions does not count toward it. Last evaluated 2025-08-15.

Conditions:
Inborn genetic diseases. Identifiers: MedGen C0950123, MeSH D030342.
ANKRD11-related disorder. Also called: ANKRD11-related condition.
KBG syndrome (KBGS). Also called: ANKRD11-Related KBG Syndrome. Identifiers: Orphanet 2332, MedGen C0220687, MONDO:0007846, OMIM 148050.

Allele frequency attached by ClinVar (database versions not stated): ExAC 0.00002; gnomAD exomes 0.00002; gnomAD 0.00004 and 0.00005.
gnomAD v4.1: 25 of 1,611,534 alleles (0.0016%); highest among the groups gnomAD compares: Non-Finnish European, 0.0021%; no homozygotes.

Submissions (4):

Labcorp Genetics (formerly Invitae), Labcorp
Classification: Likely benign for KBG syndrome. Last evaluated: 2025-08-15. Review status: criteria provided, single submitter. Criteria: Invitae Variant Classification Sherloc (09022015). Collection method: clinical testing. Allele origin: germline.

GeneDx
Classification: Likely benign. Last evaluated: 2021-02-01. Review status: criteria provided, single submitter. Criteria: GeneDx Variant Classification Process June 2021. Collection method: clinical testing. Allele origin: germline. Affected: yes.

Ambry Genetics
Classification: Likely benign for Inborn genetic diseases. Last evaluated: 2019-10-23. Review status: criteria provided, single submitter. Criteria: Ambry Variant Classification Scheme 2023. Collection method: clinical testing. Allele origin: germline.

PreventionGenetics, part of Exact Sciences
Classification: Likely benign for ANKRD11-related condition. Last evaluated: 2021-06-26. Review status: no assertion criteria provided. Collection method: clinical testing. Allele origin: germline. Not counted in ClinVar's aggregate classification.
Comment: This variant is classified as likely benign based on ACMG/AMP sequence variant interpretation guidelines (Richards et al. 2015 PMID: 25741868, with internal and published modifications).